The following is an entry in ClinVar:

ClinVar aggregate classification (germline): Uncertain significance (1 of 4 stars; one submission).

Conditions:
SLC12A2-related disorder. Also called: SLC12A2-related disorders; SLC12A2-related condition.

Submission:

PreventionGenetics, part of Exact Sciences
Classification: Uncertain significance for SLC12A2-related condition. Last evaluated: 2025-06-11. Review status: criteria provided, single submitter. Criteria: ACMG Guidelines, 2015. Collection method: clinical testing. Allele origin: germline.
Comment: The SLC12A2 c.1694C>T variant is predicted to result in the amino acid substitution p.Ser565Phe. To our knowledge, this variant has not been reported in the literature or in a large population database (gnomAD), indicating this variant is rare. At this time, the clinical significance of this variant is uncertain due to the absence of conclusive functional and genetic evidence.

NM_001046.3(SLC12A2):c.1694C>T (p.Ser565Phe)

Gene: SLC12A2 (solute carrier family 12 member 2; plus strand). Cytogenetic location: 5q23.3.
Variant type: single nucleotide variant.
Coding change: c.1694C>T on transcript NM_001046.3 (MANE Select); coding-DNA position 1694, C replaced by T.
Protein change: p.Ser565Phe; replaces serine 565 with phenylalanine.
Molecular consequence: missense variant. On other transcripts: non-coding transcript variant (1).
Genome position (GRCh38, 1-based): chr5:128,141,902, C>T. VCF-style: chr5-128141902-C-T. GRCh37 (hg19) VCF-style: chr5-127477594-C-T.
Other names: c.1694C>T, p.Ser565Phe (NM_001256461.2); short protein forms S565F.
Identifiers: ClinVar variation 4986251 (VCV004986251.1).